The following is an entry in ClinVar:

NM_198963.3(DHX57):c.3291T>A (p.Phe1097Leu)

Gene: DHX57 (DExH-box helicase 57; minus strand). Cytogenetic location: 2p22.1.
Variant type: single nucleotide variant.
Coding change: c.3291T>A on transcript NM_198963.3 (MANE Select); coding-DNA position 3291, T replaced by A.
Protein change: p.Phe1097Leu; replaces phenylalanine 1097 with leucine.
Molecular consequence: missense variant.
Genome position (GRCh38, 1-based): chr2:38,822,993, A>T on the plus strand (T>A on the coding strand, the complement: DHX57 is on the minus strand). VCF-style: chr2-38822993-A-T. GRCh37 (hg19) VCF-style: chr2-39050135-A-T.
Other names: c.2985T>A, p.Phe995Leu (NM_001329963.1); short protein forms F1097L, F995L.
Identifiers: ClinVar variation 3048734 (VCV003048734.2), dbSNP rs149658996, ClinGen allele CA1622679.
Genomic context (GRCh38, chr2:38,822,993, plus strand): 5'-CCCCTTAGAGACCTATGGTCCTCTTAGAGACTCCAGTTTAGATGAATGTTGTTTACTTAC[A>T]AACGGAGACTTAAAAGCCAAACTGGCAGCAATGGTGAGAGCAGGATCCAAACAGCGGAAG-3'
Protein context (NP_945314.1, residues 1087-1107): IAASLAFKSP[Phe1097Leu]VSPWDKKEEA

ClinVar aggregate classification (germline): Likely benign (0 of 4 stars; one submission).

Conditions:
DHX57-related disorder. Also called: DHX57-related condition.

Allele frequency attached by ClinVar (database versions not stated): gnomAD exomes 0.00010; ExAC 0.00040; 1000 Genomes Project 0.00100; 1000 Genomes Project 30x 0.00109; gnomAD 0.00109; ESP Exome Variant Server 0.00146.
gnomAD v4.1: 313 of 1,613,848 alleles (0.019%); highest among the groups gnomAD compares: African/African-American, 0.38%; 2 homozygotes.

Submission:

PreventionGenetics, part of Exact Sciences
Classification: Likely benign for DHX57-related condition. Last evaluated: 2022-05-31. Review status: no assertion criteria provided. Collection method: clinical testing. Allele origin: germline.
Comment: This variant is classified as likely benign based on ACMG/AMP sequence variant interpretation guidelines (Richards et al. 2015 PMID: 25741868, with internal and published modifications).